The following is an entry in ClinVar:

ClinVar aggregate classification (germline): Uncertain significance (1 of 4 stars; one submission).

Conditions:
PEX2-related disorder. Also called: PEX2-related condition.

gnomAD v4.1: 2 of 1,613,942 alleles (0.00012%); highest among the groups gnomAD compares: Non-Finnish European, 0.00017%; no homozygotes.

Submission:

PreventionGenetics, part of Exact Sciences
Classification: Uncertain significance for PEX2-related condition. Last evaluated: 2026-07-21. Review status: criteria provided, single submitter. Criteria: ACMG Guidelines, 2015. Collection method: clinical testing. Allele origin: germline.
Comment: The PEX2 c.688G>T variant is predicted to result in the amino acid substitution p.Ala230Ser. To our knowledge, this variant has not been reported in the literature. This variant is reported in 0.00088% of alleles in individuals of European (Non-Finnish) descent in gnomAD. At this time, the clinical significance of this variant is uncertain due to the absence of conclusive functional and genetic evidence.

NM_000318.3(PEX2):c.688G>T (p.Ala230Ser)

Gene: PEX2 (peroxisomal biogenesis factor 2; minus strand). Cytogenetic location: 8q21.13.
Variant type: single nucleotide variant.
Coding change: c.688G>T on transcript NM_000318.3 (MANE Select); coding-DNA position 688, G replaced by T.
Protein change: p.Ala230Ser; replaces alanine 230 with serine.
Molecular consequence: missense variant.
Genome position (GRCh38, 1-based): chr8:76,983,491, C>A on the plus strand (G>T on the coding strand, the complement: PEX2 is on the minus strand). VCF-style: chr8-76983491-C-A. GRCh37 (hg19) VCF-style: chr8-77895727-C-A.
Other names: c.688G>T, p.Ala230Ser (NM_001079867.2, NM_001172086.2, NM_001172087.2); short protein forms A230S.
Identifiers: ClinVar variation 4991100 (VCV004991100.1).